The following is an entry in ClinVar:

ClinVar aggregate classification (germline): Likely pathogenic (1 of 4 stars; one submission).

Conditions:
ACAN-related disorder. Also called: ACAN-related disorders; ACAN-related condition.

Submission:

PreventionGenetics, part of Exact Sciences
Classification: Likely pathogenic for ACAN-related condition. Last evaluated: 2026-01-16. Review status: criteria provided, single submitter. Criteria: ACMG Guidelines, 2015. Collection method: clinical testing. Allele origin: germline.
Comment: The ACAN c.2103delC variant is predicted to result in a frameshift and premature protein termination (p.Ile701Metfs*2). To our knowledge, this variant has not been reported in the literature or in a large population database (gnomAD), indicating this variant is rare. Frameshift variants in ACAN are expected to be pathogenic. This variant is interpreted as likely pathogenic.

NM_001369268.1(ACAN):c.2103del (p.Ile701fs)

Gene: ACAN (aggrecan; plus strand). Cytogenetic location: 15q26.1.
Variant type: Deletion.
Coding change: c.2103del on transcript NM_001369268.1 (MANE Select); coding-DNA position 2103, one base deleted (C; older notation c.2103delC).
Protein change: p.Ile701fs; shifts the reading frame from isoleucine 701.
Molecular consequence: frameshift variant.
Genome position (GRCh38, 1-based): chr15:88,851,870, C deleted. VCF-style (leftmost placement, unchanged base first): chr15-88851869-TC-T. GRCh37 (hg19) VCF-style: chr15-89395100-TC-T.
Other names: c.2103del, p.Ile701fs (NM_001135.4, NM_001411096.1, NM_001411097.1 and 1 more transcripts); short protein forms I701fs.
Identifiers: ClinVar variation 4990106 (VCV004990106.1).